The following is an entry in ClinVar:

ClinVar aggregate classification (germline): Uncertain significance. Review status: criteria provided, multiple submitters, no conflicts (2 of 4 stars). 3 submissions from 3 submitters: Uncertain significance (3). Last evaluated 2026-05-15.

Conditions:
Cardiovascular phenotype. Identifiers: MedGen CN230736.
Dilated cardiomyopathy 1J (CMD1J). Also called: CARDIOMYOPATHY, DILATED, WITH SENSORINEURAL HEARING LOSS, AUTOSOMAL DOMINANT. Identifiers: Orphanet 217622, MedGen C1854368, MONDO:0011541, OMIM 605362.
Autosomal dominant nonsyndromic hearing loss 10. Identifiers: Orphanet 90635, MedGen C1832476, MONDO:0011031, OMIM 601316.

Allele frequency attached by ClinVar (database versions not stated): gnomAD 0.00001; gnomAD exomes 0.00001; TOPMed below 0.00001.
gnomAD v4.1: 8 of 1,613,414 alleles (0.0005%); highest among the groups gnomAD compares: Admixed American, 0.0033%; no homozygotes.

Submissions (3):

Ambry Genetics
Classification: Uncertain significance for Cardiovascular phenotype. Last evaluated: 2026-05-15. Review status: criteria provided, single submitter. Criteria: Ambry Variant Classification Scheme 2023. Collection method: clinical testing. Allele origin: germline.
Comment: The p.E608Q variant (also known as c.1822G>C), located in coding exon 18 of the EYA4 gene, results from a G to C substitution at nucleotide position 1822. The glutamic acid at codon 608 is replaced by glutamine, an amino acid with highly similar properties. This amino acid position is highly conserved in available vertebrate species. In addition, this alteration is predicted to be deleterious by in silico analysis. Based on the available evidence, the clinical significance of this variant remains unclear.

Labcorp Genetics (formerly Invitae), Labcorp
Classification: Uncertain significance for Dilated cardiomyopathy 1J. Last evaluated: 2024-07-24. Review status: criteria provided, single submitter. Criteria: Invitae Variant Classification Sherloc (09022015). Collection method: clinical testing. Allele origin: germline.
Comment: This sequence change replaces glutamic acid, which is acidic and polar, with glutamine, which is neutral and polar, at codon 608 of the EYA4 protein (p.Glu608Gln). This variant is not present in population databases (gnomAD no frequency). This variant has not been reported in the literature in individuals affected with EYA4-related conditions. ClinVar contains an entry for this variant (Variation ID: 1364830). Advanced modeling of protein sequence and biophysical properties (such as structural, functional, and spatial information, amino acid conservation, physicochemical variation, residue mobility, and thermodynamic stability) performed at Invitae indicates that this missense variant is expected to disrupt EYA4 protein function with a positive predictive value of 80%. In summary, the available evidence is currently insufficient to determine the role of this variant in disease. Therefore, it has been classified as a Variant of Uncertain Significance.

Fulgent Genetics
Classification: Uncertain significance for Autosomal dominant nonsyndromic hearing loss 10; Dilated cardiomyopathy 1J. Last evaluated: 2021-10-13. Review status: criteria provided, single submitter. Criteria: ACMG Guidelines, 2015. Collection method: clinical testing. Allele origin: unknown.

NM_004100.5(EYA4):c.1822G>C (p.Glu608Gln)

Genes: EYA4 (EYA transcriptional coactivator and phosphatase 4; plus strand), TARID (TCF21 antisense RNA inducing promoter demethylation; minus strand). Cytogenetic location: 6q23.2.
Variant type: single nucleotide variant.
Coding change: c.1822G>C on transcript NM_004100.5 (MANE Select); coding-DNA position 1822, G replaced by C.
Protein change: p.Glu608Gln; replaces glutamic acid 608 with glutamine.
Molecular consequence: missense variant. On other transcripts: intron variant (3).
Genome position (GRCh38, 1-based): chr6:133,525,237, G>C. VCF-style: chr6-133525237-G-C. GRCh37 (hg19) VCF-style: chr6-133846375-G-C.
Other names: c.1840G>C, p.Glu614Gln (NM_001301013.2); c.1678G>C, p.Glu560Gln (NM_001370459.1); c.1753G>C, p.Glu585Gln (NM_172103.4); c.1839+122G>C (NM_172105.4); c.1770+122G>C (NM_001370458.1); c.1677+122G>C (NM_001301012.2); c.1822G>C (NM_004100.4); short protein forms E614Q, E560Q, E585Q, E608Q.
Identifiers: ClinVar variation 1364830 (VCV001364830.8), dbSNP rs1173508611, ClinGen allele CA365700989.